The following is an entry in ClinVar:

NM_014874.4(MFN2):c.2133G>T (p.Glu711Asp)

Gene: MFN2 (mitofusin 2; plus strand). Cytogenetic location: 1p36.22.
Variant type: single nucleotide variant.
Coding change: c.2133G>T on transcript NM_014874.4 (MANE Select); coding-DNA position 2133, G replaced by T.
Protein change: p.Glu711Asp; replaces glutamic acid 711 with aspartic acid.
Molecular consequence: missense variant.
Genome position (GRCh38, 1-based): chr1:12,009,655, G>T. VCF-style: chr1-12009655-G-T. GRCh37 (hg19) VCF-style: chr1-12069712-G-T.
Other names: c.2133G>T (NM_014874.3); c.2133G>T, p.Glu711Asp (NM_001127660.2); short protein forms E711D.
Identifiers: ClinVar variation 1402104 (VCV001402104.8), dbSNP rs1486405515, ClinGen allele CA338453147.

ClinVar aggregate classification (germline): Uncertain significance. Review status: criteria provided, multiple submitters, no conflicts (2 of 4 stars). 2 submissions from 2 submitters: Uncertain significance (2). Last evaluated 2025-12-10.

Conditions:
Inborn genetic diseases. Identifiers: MedGen C0950123, MeSH D030342.
Charcot-Marie-Tooth disease type 2. Also called: Charcot-Marie-Tooth type 2. Identifiers: Orphanet 64746, MedGen C0270914, MONDO:0018993.

Allele frequency attached by ClinVar (database versions not stated): TOPMed below 0.00001; gnomAD 0.00001; gnomAD exomes below 0.00001.
gnomAD v4.1: 2 of 1,614,126 alleles (0.00012%); highest among the groups gnomAD compares: East Asian, 0.0045%; no homozygotes.

Submissions (2):

Ambry Genetics
Classification: Uncertain significance for Inborn genetic diseases. Last evaluated: 2025-12-10. Review status: criteria provided, single submitter. Criteria: Ambry Variant Classification Scheme 2023. Collection method: clinical testing. Allele origin: germline.

Labcorp Genetics (formerly Invitae), Labcorp
Classification: Uncertain significance for Charcot-Marie-Tooth disease type 2. Last evaluated: 2025-11-17. Review status: criteria provided, single submitter. Criteria: Invitae Variant Classification Sherloc (09022015). Collection method: clinical testing. Allele origin: germline.
Comment: This sequence change replaces glutamic acid, which is acidic and polar, with aspartic acid, which is acidic and polar, at codon 711 of the MFN2 protein (p.Glu711Asp). This variant is not present in population databases (gnomAD no frequency). This variant has not been reported in the literature in individuals affected with MFN2-related conditions. ClinVar contains an entry for this variant (Variation ID: 1402104). Invitae Evidence Modeling of protein sequence and biophysical properties (such as structural, functional, and spatial information, amino acid conservation, physicochemical variation, residue mobility, and thermodynamic stability) has been performed for this missense variant. However, the output from this modeling did not meet the statistical confidence thresholds required to predict the impact of this variant on MFN2 protein function. In summary, the available evidence is currently insufficient to determine the role of this variant in disease. Therefore, it has been classified as a Variant of Uncertain Significance.